The following is an entry in ClinVar:

NM_020937.4(FANCM):c.2616C>T (p.His872=)

Gene: FANCM (FA complementation group M; plus strand). Cytogenetic location: 14q21.2.
Variant type: single nucleotide variant.
Coding change: c.2616C>T on transcript NM_020937.4 (MANE Select); coding-DNA position 2616, C replaced by T.
Protein change: p.His872=; no amino-acid change (histidine 872 retained).
Molecular consequence: synonymous variant.
Genome position (GRCh38, 1-based): chr14:45,175,370, C>T. VCF-style: chr14-45175370-C-T. GRCh37 (hg19) VCF-style: chr14-45644573-C-T.
Other names: c.2538C>T, p.His846= (NM_001308133.2).
Identifiers: ClinVar variation 700385 (VCV000700385.29), dbSNP rs372803974, ClinGen allele CA7169378.

ClinVar aggregate classification (germline): Likely benign. Review status: criteria provided, multiple submitters, no conflicts (2 of 4 stars). 3 submissions from 3 submitters: Likely benign (3). Last evaluated 2025-09-04.

Conditions:
Inborn genetic diseases. Identifiers: MedGen C0950123, MeSH D030342.
Fanconi anemia (FA). Also called: Fanconi's anemia. Identifiers: Orphanet 84, MedGen C0015625, MeSH D005199, MONDO:0019391.

Allele frequency attached by ClinVar (database versions not stated): gnomAD 0.00001; ExAC 0.00002; gnomAD exomes 0.00002; TOPMed 0.00004; ESP Exome Variant Server 0.00008.
gnomAD v4.1: 33 of 1,559,974 alleles (0.0021%); highest among the groups gnomAD compares: Middle Eastern, 0.017%; no homozygotes.

Submissions (3):

Labcorp Genetics (formerly Invitae), Labcorp
Classification: Likely benign for Fanconi anemia. Last evaluated: 2025-09-04. Review status: criteria provided, single submitter. Criteria: Invitae Variant Classification Sherloc (09022015). Collection method: clinical testing. Allele origin: germline.

Ambry Genetics
Classification: Likely benign for Inborn genetic diseases. Last evaluated: 2024-12-02. Review status: criteria provided, single submitter. Criteria: Ambry Variant Classification Scheme 2023. Collection method: clinical testing. Allele origin: germline.

CeGaT Center for Human Genetics Tuebingen
Classification: Likely benign. Last evaluated: 2024-10-01. Review status: criteria provided, single submitter. Criteria: CeGaT Center For Human Genetics Tuebingen Variant Classification Criteria Version 2. Collection method: clinical testing. Allele origin: germline. Affected: yes. Observed: 2 variant alleles.
Comment: FANCM: BP4, BP7